The following is an entry in ClinVar:

NM_001005361.3(DNM2):c.1102G>A (p.Glu368Lys)

Gene: DNM2 (dynamin 2; plus strand). Cytogenetic location: 19p13.2.
Variant type: single nucleotide variant.
Coding change: c.1102G>A on transcript NM_001005361.3 (MANE Select); coding-DNA position 1102, G replaced by A.
Protein change: p.Glu368Lys; replaces glutamic acid 368 with lysine.
Molecular consequence: missense variant.
Genome position (GRCh38, 1-based): chr19:10,793,829, G>A. VCF-style: chr19-10793829-G-A. GRCh37 (hg19) VCF-style: chr19-10904505-G-A.
Other names: NM_001005361.3(DNM2):c.1102G>A; c.1102G>A, p.Glu368Lys (NM_001005360.3, NM_001005362.3, NM_001190716.2 and 1 more transcripts); short protein forms E368K.
Identifiers: ClinVar variation 7282 (VCV000007282.36), dbSNP rs121909092, ClinGen allele CA118661.

ClinVar aggregate classification (germline): Pathogenic. Review status: reviewed by expert panel (3 of 4 stars). 14 submissions from 14 submitters: Pathogenic (1). 13 of the submissions do not count toward it. Last evaluated 2024-10-25.

Conditions:
DNM2-related disorder. Also called: DNM2-related condition.
Centronuclear myopathy (CNM). Also called: Myotubular myopathy; Centronuclear myopathy, congenital. Identifiers: Orphanet 595, MedGen C0175709, MONDO:0018947. Inheritance: All.
Charcot-Marie-Tooth disease dominant intermediate B (CMTDIB). Also called: CHARCOT-MARIE-TOOTH NEUROPATHY, DOMINANT INTERMEDIATE B; Charcot-Marie-Tooth disease dominant intermediate 1; CMT DI1; Charcot-Marie-Tooth disease dominant intermediate I. Identifiers: Orphanet 100044, Orphanet 228179, MedGen C1847902, MONDO:0011674, OMIM 606482.
Autosomal dominant centronuclear myopathy. Also called: MYOTUBULAR MYOPATHY, AUTOSOMAL DOMINANT; Myopathy, centronuclear, 3. Identifiers: Orphanet 169189, MedGen C4551952, MeSH D020914, MONDO:0008048, OMIM 160150.
Myopathy. Identifiers: MedGen C0026848, MeSH D009135, MONDO:0005336, HP:0003198.

Allele frequency attached by ClinVar (database versions not stated): ExAC 0.00001.

Submissions (14):

ClinGen Congenital Myopathies Variant Curation Expert Panel, ClinGen
Classification: Pathogenic for Centronuclear myopathy. Last evaluated: 2024-10-25. Review status: reviewed by expert panel. Criteria: ClinGen CongenMyopathy ACMG Specifications DNM2 V1.0.0. Collection method: curation. Allele origin: germline. Inheritance: Autosomal dominant inheritance.
Comment: The NM_001005361.3:c.1102G>A variant in DNM2 is a missense variant predicted to cause substitution of glutamic acid by lysine at amino acid 368 (p.Glu368Lys). This variant is absent from gnomAD v4.1 (PM2_Supporting). The computational predictor REVEL gives a score of 0.799, which is above the threshold of 0.7, evidence that correlates with impact to DNM2 function (PP3). DNM2, in which the variant was identified, is defined by the ClinGen Congenital Myopathies VCEP as a gene that has a low rate of benign missense variation and where pathogenic missense variants are a common mechanism of disease (PP2). This variant has been reported in at least 6 probands with centronuclear myopathy (PS4; PMIDs: 16227997, 22613877, 25501959, 27159402, 33124102). Of those 6 individuals, the variant was identified as a de novo occurrence with confirmed parental relationships in at least 3 of those individuals with centronuclear myopathy (PS2_VeryStrong; PMIDs: 16227997, 27159402, 33124102). Oligomerization in Sf9 cells showed defective autoinhibition of self-assembly, indicating that this variant impacts protein function (PMID: 26199319). Additionally, GTPase activity in Sf9 cells was between 2–2.5-fold higher than wild-type DNM2 (PS3_Moderate). In summary, this variant meets the criteria to be classified as pathogenic for autosomal dominant centronuclear myopathy based on the ACMG/AMP criteria applied, as specified by the ClinGen Congenital Myopathies VCEP: PS2_VeryStrong, PS4, PS3_Moderate, PM2_Supporting, PP2, PP3. (ClinGen Congenital Myopathies VCEP Specifications Version 1.0; 10/25/2024)

Labcorp Genetics (formerly Invitae), Labcorp
Classification: Pathogenic for Charcot-Marie-Tooth disease dominant intermediate B. Last evaluated: 2025-09-02. Review status: criteria provided, single submitter. Criteria: Invitae Variant Classification Sherloc (09022015). Collection method: clinical testing. Allele origin: germline. Not counted in ClinVar's aggregate classification.
Comment: This sequence change replaces glutamic acid, which is acidic and polar, with lysine, which is basic and polar, at codon 368 of the DNM2 protein (p.Glu368Lys). This variant is not present in population databases (gnomAD no frequency). This missense change has been observed in individual(s) with autosomal dominant centronuclear myopathy (PMID: 16227997, 17008356, 19130742, 20227276, 20927630, 21221624, 22396310, 22613877, 23338057, 23394783, 24465259, 25262827, 25501959, 25957634, 26273216). In at least one individual the variant was observed to be de novo. ClinVar contains an entry for this variant (Variation ID: 7282). Invitae Evidence Modeling of protein sequence and biophysical properties (such as structural, functional, and spatial information, amino acid conservation, physicochemical variation, residue mobility, and thermodynamic stability) has been performed for this missense variant. However, the output from this modeling did not meet the statistical confidence thresholds required to predict the impact of this variant on DNM2 protein function. Experimental studies have shown that this missense change affects DNM2 function (PMID: 20529869, 21762456, 26199319). For these reasons, this variant has been classified as Pathogenic.

3billion
Classification: Pathogenic for Autosomal dominant centronuclear myopathy. Last evaluated: 2025-05-07. Review status: criteria provided, single submitter. Criteria: ACMG Guidelines, 2015. Collection method: clinical testing. Allele origin: germline. Affected: yes. Not counted in ClinVar's aggregate classification.
Comment: The variant is not observed in the gnomAD v4.1.0 dataset. Predicted Consequence/Location: Missense variant. Missense changes are a common disease-causing mechanism. In silico tool predictions suggest damaging effect of the variant on gene or gene product [REVEL: 0.80 (>=0.6, sensitivity 0.68 and specificity 0.92); 3Cnet: 0.98 (> 0.75, sensitivity 0.96 and precision 0.92)]. The same nucleotide change resulting in the same amino acid change has been previously reported as pathogenic/likely pathogenic with strong evidence (ClinVar ID: VCV000007282 /PMID: 16227997 /3billion dataset). The variant has been previously reported as assumed (i.e. paternity and maternity not confirmed) de novo in at least one similarly affected unrelated individual (PMID: 25501959, 26273216). A different missense change at the same codon (p.Glu368Gln) has been reported to be associated with DNM2-related disorder (PMID: 17825552). Therefore, this variant is classified as Pathogenic according to the recommendation of ACMG/AMP guideline.

Revvity Omics, Revvity
Classification: Pathogenic. Last evaluated: 2023-12-28. Review status: criteria provided, single submitter. Criteria: ACMG Guidelines, 2015. Collection method: clinical testing. Allele origin: germline. Not counted in ClinVar's aggregate classification.

Institute of Human Genetics Munich, TUM University Hospital
Classification: Pathogenic for Autosomal dominant centronuclear myopathy. Last evaluated: 2023-07-06. Review status: criteria provided, single submitter. Criteria: Classification criteria August 2017. Collection method: clinical testing. Allele origin: de novo. Inheritance: Autosomal dominant inheritance. Affected: yes. Observed: 1 variant allele. Not counted in ClinVar's aggregate classification.

GeneDx
Classification: Pathogenic. Last evaluated: 2022-12-14. Review status: criteria provided, single submitter. Criteria: GeneDx Variant Classification Process June 2021. Collection method: clinical testing. Allele origin: germline. Affected: yes. Not counted in ClinVar's aggregate classification.
Comment: Published functional studies demonstrate that p.(E368K) results in increased GTPase activity, which stabilizes the dynamin complex, rendering it resistant to normal disassembly (Wang et al., 2010; Chin et al., 2015); Not observed at significant frequency in large population cohorts (gnomAD); In silico analysis supports that this missense variant has a deleterious effect on protein structure/function; This variant is associated with the following publications: (PMID: 25501959, 32403337, 21221624, 26199319, 20227276, 20529869, 17008356, 21762456, 25262827, 23338057, 23394783, 26273216, 25127990, 24465259, 22613877, 33124102, 19130742, 33333461, 34463354, 22396310, 16227997)

Breakthrough Genomics
Classification: Pathogenic for Autosomal dominant centronuclear myopathy. Last evaluated: 2021-07-12. Review status: criteria provided, single submitter. Criteria: ACMG Guidelines, 2015. Collection method: clinical testing. Allele origin: germline. Affected: yes. Not counted in ClinVar's aggregate classification.
Comment: This variant was previously reported in individuals affected with autosomal dominant centronuclear myopathy and considered one of the most common mutations causing the disorder and has been shown to arise de novo in numerous affected individuals [PMID: 22613877, 25501959, 25262827, 20927630, 22396310, 23338057, 20227276, 25957634, 26273216, 21221624, 23394783 16227997]. Functional studies have shown that it causes an increase in GTPase activity of the protein along and formation of oligomers that are resistant to disassembly and have a dominant negative effect on protein function [PMID: 20529869, 26199319, 21762456].

Centre for Mendelian Genomics, University Medical Centre Ljubljana
Classification: Pathogenic for Myopathy. Last evaluated: 2017-01-01. Review status: criteria provided, single submitter. Criteria: ACMG Guidelines, 2015. Collection method: clinical testing. Allele origin: unknown. Affected: yes. Not counted in ClinVar's aggregate classification.

Eurofins Ntd Llc (ga)
Classification: Pathogenic. Last evaluated: 2016-05-12. Review status: criteria provided, single submitter. Criteria: EGL Classification Definitions 2015. Collection method: clinical testing. Allele origin: germline. Observed: 1 variant allele, 1 heterozygote. Not counted in ClinVar's aggregate classification.

Genetic Services Laboratory, University of Chicago
Classification: Pathogenic for Myopathy, centronuclear. Last evaluated: 2013-02-08. Review status: criteria provided, single submitter. Criteria: ACMG Guidelines, 2007. Collection method: clinical testing. Allele origin: germline. Inheritance: Autosomal dominant inheritance. Affected: yes. Not counted in ClinVar's aggregate classification.

PreventionGenetics, part of Exact Sciences
Classification: Pathogenic for DNM2-related condition. Last evaluated: 2024-01-25. Review status: no assertion criteria provided. Collection method: clinical testing. Allele origin: germline. Not counted in ClinVar's aggregate classification.
Comment: The DNM2 c.1102G>A variant is predicted to result in the amino acid substitution p.Glu368Lys. This variant has been reported in many unrelated individuals with autosomal dominant centronuclear myopathy (see example: Bitoun et al. 2005. PMID: 16227997; Mori-Yoshimura et al. 2012. PubMed ID: 22613877; Reumers. 2021. PubMed ID: 34463354). This variant has not been reported in a large population database, indicating this variant is rare. This variant is interpreted as pathogenic.

Solve-RD Consortium
Classification: Likely pathogenic for Charcot-Marie-Tooth disease dominant intermediate B. Last evaluated: 2022-06-01. Review status: no assertion criteria provided. Collection method: provider interpretation. Allele origin: inherited. Affected: yes. Not counted in ClinVar's aggregate classification.
Comment: Variant confirmed as disease-causing by referring clinical team

Variant identified during reanalysis of unsolved cases by the Solve-RD project. The Solve-RD project has received funding from the European Union’s Horizon 2020 research and innovation programme under grant agreement No 779257.

OMIM
Classification: Pathogenic for MYOPATHY, CENTRONUCLEAR, 1. Last evaluated: 2006-11-01. Review status: no assertion criteria provided. Collection method: literature only. Allele origin: germline. Not counted in ClinVar's aggregate classification.

Inherited Neuropathy Consortium Ii, University Of Miami
Classification: Uncertain significance for Charcot-Marie-Tooth disease dominant intermediate B. Last evaluated: 2016-01-06. Review status: flagged submission. Collection method: literature only. Allele origin: germline. Affected: yes. Not counted in ClinVar's aggregate classification.
ClinVar note: Reason: Outlier claim with insufficient supporting evidence

Literature cited by the submitters: PubMed 16227997 (cited by 5 submitters); PubMed 17008356 (cited by Labcorp Genetics (formerly Invitae), Labcorp and OMIM); PubMed 19130742 (cited by Labcorp Genetics (formerly Invitae), Labcorp); PubMed 20227276 (cited by Labcorp Genetics (formerly Invitae), Labcorp); PubMed 20927630 (cited by Labcorp Genetics (formerly Invitae), Labcorp); PubMed 21221624 (cited by Labcorp Genetics (formerly Invitae), Labcorp); PubMed 22396310 (cited by Labcorp Genetics (formerly Invitae), Labcorp and Eurofins Ntd Llc (ga)); PubMed 22613877 (cited by Labcorp Genetics (formerly Invitae), Labcorp); PubMed 23338057 (cited by Labcorp Genetics (formerly Invitae), Labcorp); PubMed 23394783 (cited by Labcorp Genetics (formerly Invitae), Labcorp); PubMed 24465259 (cited by Labcorp Genetics (formerly Invitae), Labcorp); PubMed 25262827 (cited by Labcorp Genetics (formerly Invitae), Labcorp); PubMed 25501959 (cited by Labcorp Genetics (formerly Invitae), Labcorp and 3billion); PubMed 25957634 (cited by Labcorp Genetics (formerly Invitae), Labcorp); PubMed 26273216 (cited by Labcorp Genetics (formerly Invitae), Labcorp and 3billion); PubMed 20529869 (cited by Labcorp Genetics (formerly Invitae), Labcorp); PubMed 21762456 (cited by Labcorp Genetics (formerly Invitae), Labcorp); PubMed 26199319 (cited by Labcorp Genetics (formerly Invitae), Labcorp); PubMed 17825552 (cited by 3billion); PubMed 39825153 (cited by Solve-RD Consortium).